The following is an entry in ClinVar:

NM_001853.4(COL9A3):c.1902G>C (p.Gln634His)

Gene: COL9A3 (collagen type IX alpha 3 chain; plus strand). Cytogenetic location: 20q13.33.
Variant type: single nucleotide variant.
Coding change: c.1902G>C on transcript NM_001853.4 (MANE Select); coding-DNA position 1902, G replaced by C.
Protein change: p.Gln634His; replaces glutamine 634 with histidine.
Molecular consequence: missense variant.
Genome position (GRCh38, 1-based): chr20:62,840,579, G>C. VCF-style: chr20-62840579-G-C. GRCh37 (hg19) VCF-style: chr20-61471931-G-C.
Other names: short protein forms Q634H.
Identifiers: ClinVar variation 2109500 (VCV002109500.4), dbSNP rs762745253, ClinGen allele CA409601331.
Genomic context (GRCh38, chr20:62,840,579, plus strand): 5'-TCACCTTTCTGCTCTGTCCCAAGGACCCCAAGGCGTGCCCGGCACCAGCAAGGACGGCCA[G>C]GACGGTGCTCCCGGCGAGCCTGGGCCTCCCGGAGATCCTGGGCTTCCAGGTGCCATTGGG-3'
Protein context (NP_001844.3, residues 624-644): QGVPGTSKDG[Gln634His]DGAPGEPGPP

ClinVar aggregate classification (germline): Uncertain significance (1 of 4 stars; one submission).

Submission:

Labcorp Genetics (formerly Invitae), Labcorp
Classification: Uncertain significance. Last evaluated: 2022-03-11. Review status: criteria provided, single submitter. Criteria: Invitae Variant Classification Sherloc (09022015). Collection method: clinical testing. Allele origin: germline.
Comment: In summary, the available evidence is currently insufficient to determine the role of this variant in disease. Therefore, it has been classified as a Variant of Uncertain Significance. Advanced modeling of protein sequence and biophysical properties (such as structural, functional, and spatial information, amino acid conservation, physicochemical variation, residue mobility, and thermodynamic stability) performed at Invitae indicates that this missense variant is not expected to disrupt COL9A3 protein function. This variant has not been reported in the literature in individuals affected with COL9A3-related conditions. This variant is not present in population databases (gnomAD no frequency). This sequence change replaces glutamine, which is neutral and polar, with histidine, which is basic and polar, at codon 634 of the COL9A3 protein (p.Gln634His).